The following is an entry in ClinVar:

NM_003038.5(SLC1A4):c.1325C>T (p.Thr442Ile)

Gene: SLC1A4 (solute carrier family 1 member 4; plus strand). Cytogenetic location: 2p14.
Variant type: single nucleotide variant.
Coding change: c.1325C>T on transcript NM_003038.5 (MANE Select); coding-DNA position 1325, C replaced by T.
Protein change: p.Thr442Ile; replaces threonine 442 with isoleucine.
Molecular consequence: missense variant.
Genome position (GRCh38, 1-based): chr2:65,018,640, C>T. VCF-style: chr2-65018640-C-T. GRCh37 (hg19) VCF-style: chr2-65245774-C-T.
Other names: c.431C>T, p.Thr144Ile (NM_001193493.2); c.665C>T, p.Thr222Ile (NM_001348406.2, NM_001348407.2); short protein forms T144I, T222I, T442I.
Identifiers: ClinVar variation 4881833 (VCV004881833.2).

ClinVar aggregate classification (germline): Uncertain significance (1 of 4 stars; one submission).

Submission:

Dasa
Classification: Uncertain significance. Last evaluated: 2025-10-30. Review status: criteria provided, single submitter. Criteria: DASA Assertion Criteria. Collection method: clinical testing. Allele origin: germline.
Comment: NM_003038.5(SLC1A4):c.1325C>T (p.Thr442Ile) is a missense variant that results in the substitution of threonine with isoleucine. This variant is absent from population databases. The currently available literature and clinical evidence are not sufficient to establish a definitive association between this variant and the reported condition. Therefore, this variant is classified as a variant of uncertain significance.